The following is an entry in ClinVar:

ClinVar aggregate classification (germline): Uncertain significance. Review status: criteria provided, multiple submitters, no conflicts (2 of 4 stars). 5 submissions from 5 submitters: Uncertain significance (4). 1 of the submissions does not count toward it. Last evaluated 2024-09-03.

Conditions:
Gaucher disease. Also called: Acute cerebral Gaucher disease; Cerebroside lipidosis syndrome; Gaucher splenomegaly; Sphingolipidosis 1; Glucocerebrosidosis; Glucosylceramidase deficiency. Identifiers: Orphanet 355, MedGen C0017205, MONDO:0018150.
Gaucher disease type I (GD1). Also called: GD 1; GAUCHER DISEASE, NONCEREBRAL JUVENILE; GBA DEFICIENCY; GD I; GLUCOCEREBROSIDASE DEFICIENCY; Gaucher's disease, type 1. Identifiers: Orphanet 355, Orphanet 77259, MedGen C1961835, MONDO:0009265, OMIM 230800.

Allele frequency attached by ClinVar (database versions not stated): gnomAD exomes below 0.00001; ExAC 0.00001; gnomAD 0.00001 and 0.00003; TOPMed 0.00001; ESP Exome Variant Server 0.00008.

Submissions (5):

Women's Health and Genetics/Laboratory Corporation of America, LabCorp
Classification: Uncertain significance. Last evaluated: 2024-09-03. Review status: criteria provided, single submitter. Criteria: LabCorp Variant Classification Summary - May 2015. Collection method: clinical testing. Allele origin: germline.
Comment: Variant summary: GBA1 c.637C>T (p.Leu213Phe) results in a non-conservative amino acid change located in the Glycosyl hydrolase family 30, TIM-barrel domain (IPR033453) of the encoded protein sequence. Four of five in-silico tools predict a damaging effect of the variant on protein function. The variant allele was found at a frequency of 7.2e-06 in 276162 control chromosomes. The available data on variant occurrences in the general population are insufficient to allow any conclusion about variant significance. c.637C>T has been reported in the literature in at-least one individual affected with Gaucher Disease (example: Beutler_2005). These report(s) do not provide unequivocal conclusions about association of the variant with Gaucher Disease. At least one publication reports experimental evidence evaluating an impact on protein function, however, does not allow convincing conclusions about the variant effect (example: Liou_2006). The following publications have been ascertained in the context of this evaluation (PMID: 16185900, 16293621). ClinVar contains an entry for this variant (Variation ID: 281587). Based on the evidence outlined above, the variant was classified as uncertain significance.

Revvity Omics, Revvity
Classification: Uncertain significance. Last evaluated: 2024-06-14. Review status: criteria provided, single submitter. Criteria: ACMG Guidelines, 2015. Collection method: clinical testing. Allele origin: germline.

Illumina Laboratory Services, Illumina
Classification: Uncertain significance for Gaucher disease. Last evaluated: 2023-04-24. Review status: criteria provided, single submitter. Criteria: ICSLVariantClassificationCriteria RUGD 01 April 2020. Collection method: clinical testing. Allele origin: unknown.
Comment: The GBA c.637C>T, (p.Leu213Phe), missense variant, to our knowledge, has not been reported in the peer-reviewed literature. This variant is not observed at a significant frequency in version 2.1.1 or version 3.1.2 of the Genome Aggregation Database. Multiple lines of computational evidence suggest the variant may impact the gene or gene product. Based on the available evidence, the c.637C>T, (p.Leu213Phe) variant is classified as a variant of uncertain significance for Gaucher disease.

Eurofins Ntd Llc (ga)
Classification: Uncertain significance. Last evaluated: 2015-07-16. Review status: criteria provided, single submitter. Criteria: EGL Classification Definitions 2015. Collection method: clinical testing. Allele origin: germline. Observed: 1 variant allele, 1 heterozygote.

Baylor Genetics
Classification: Uncertain significance for Gaucher disease type I. Review status: no assertion criteria provided. Collection method: clinical testing. Allele origin: unknown. Not counted in ClinVar's aggregate classification.

Literature cited by the submitters: PubMed 16293621 (cited by Women's Health and Genetics/Laboratory Corporation of America, LabCorp and Baylor Genetics); PubMed 16185900 (cited by Women's Health and Genetics/Laboratory Corporation of America, LabCorp and Baylor Genetics).

NM_000157.4(GBA1):c.637C>T (p.Leu213Phe)

Genes: GBA1 (glucosylceramidase beta 1; minus strand), LOC106627981 (GBA recombination region; plus strand). Cytogenetic location: 1q22.
Variant type: single nucleotide variant.
Coding change: c.637C>T on transcript NM_000157.4 (MANE Select); coding-DNA position 637, C replaced by T.
Protein change: p.Leu213Phe; replaces leucine 213 with phenylalanine.
Molecular consequence: missense variant.
Genome position (GRCh38, 1-based): chr1:155,238,258, G>A on the plus strand (C>T on the coding strand, the complement: GBA1 is on the minus strand). VCF-style: chr1-155238258-G-A. GRCh37 (hg19) VCF-style: chr1-155208049-G-A.
Other names: c.637C>T, p.Leu213Phe (NM_001005741.3, NM_001005742.3); c.376C>T, p.Leu126Phe (NM_001171811.2); c.490C>T, p.Leu164Phe (NM_001171812.2); short protein forms L213F, L126F, L164F.
Identifiers: ClinVar variation 281587 (VCV000281587.10), dbSNP rs374591570, ClinGen allele CA1141709.
Genomic context (GRCh38, chr1:155,238,258, plus strand): 5'-TCCCATTCACCGCTCCATTGGTCTTGAGCCAAGTGGGTGATGTCCAGGGGCTGGCAAGGA[G>A]TGAAACGGGACGCTGGGCCAACTGCAGGGCTCGGTGAATCAGGGGTATCTAGAGACAAAG-3'
Protein context (NP_000148.2, residues 203-223): ALQLAQRPVS[Leu213Phe]LASPWTSPTW